The following is an entry in ClinVar:

NM_015059.3(TLN2):c.7244C>T (p.Ser2415Phe)

Genes: TLN2 (talin 2; plus strand), TLN2-AS3 (TLN2 antisense RNA 3; minus strand). Cytogenetic location: 15q22.2.
Variant type: single nucleotide variant.
Coding change: c.7244C>T on transcript NM_015059.3 (MANE Select); coding-DNA position 7244, C replaced by T.
Protein change: p.Ser2415Phe; replaces serine 2415 with phenylalanine.
Molecular consequence: missense variant.
Genome position (GRCh38, 1-based): chr15:62,835,943, C>T. VCF-style: chr15-62835943-C-T. GRCh37 (hg19) VCF-style: chr15-63128142-C-T.
Other names: c.7244C>T, p.Ser2415Phe (NM_001394547.1); short protein forms S2415F.
Identifiers: ClinVar variation 4883148 (VCV004883148.2).

ClinVar aggregate classification (germline): Uncertain significance (1 of 4 stars; one submission).

Submission:

Dasa
Classification: Uncertain significance. Last evaluated: 2025-10-07. Review status: criteria provided, single submitter. Criteria: DASA Assertion Criteria. Collection method: clinical testing. Allele origin: germline.
Comment: NM_015059.3(TLN2):c.7244C>T (p.Ser2415Phe) is a missense variant that results in the substitution of serine with phenylalanine. This variant is absent from population databases. The currently available literature and clinical evidence are not sufficient to establish a definitive association between this variant and the reported condition. Therefore, this variant is classified as a variant of uncertain significance.